The following is an entry in ClinVar:

NM_000203.5(IDUA):c.314G>A (p.Arg105Gln)

Gene: IDUA (alpha-L-iduronidase; plus strand). Cytogenetic location: 4p16.3.
Variant type: single nucleotide variant.
Coding change: c.314G>A on transcript NM_000203.5 (MANE Select); coding-DNA position 314, G replaced by A.
Protein change: p.Arg105Gln; replaces arginine 105 with glutamine.
Molecular consequence: missense variant. On other transcripts: 5 prime UTR variant (1), non-coding transcript variant (1).
Genome position (GRCh38, 1-based): chr4:1,000,626, G>A. VCF-style: chr4-1000626-G-A. GRCh37 (hg19) VCF-style: chr4-994414-G-A.
Other names: NM_000203.5(IDUA):c.314G>A; c.-83G>A (NM_001363576.1); short protein forms R105Q.
Identifiers: ClinVar variation 92641 (VCV000092641.50), dbSNP rs3755955, ClinGen allele CA145881.
Genomic context (GRCh38, chr4:1,000,626, plus strand): 5'-AGCTGTGTGGGCACCCTGCTTCCTGACGCTGACCGTCCTTCTGCAGGGGGTCCACTGGAC[G>A]GGGCCTGAGCTACAACTTCACCCACCTGGACGGGTACCTGGACCTTCTCAGGGAGAACCA-3'
Protein context (NP_000194.2, residues 95-115): ELVTTRGSTG[Arg105Gln]GLSYNFTHLD

ClinVar aggregate classification (germline): Benign. Review status: reviewed by expert panel (3 of 4 stars). 18 submissions from 16 submitters: Benign (1). 17 of the submissions do not count toward it. Last evaluated 2024-12-06.

Conditions:
Mucopolysaccharidosis type 1. Also called: Mucopolysaccharidosis Type I; IDUA deficiency; MPS I. Identifiers: Orphanet 579, MedGen C0023786, MONDO:0001586.
Hurler syndrome. Also called: MUCOPOLYSACCHARIDOSIS TYPE IH; Severe MPS I (Hurler Syndrome); Gargoylism, Hurler Syndrome. Identifiers: Orphanet 93473, MedGen C0086795, MONDO:0011758, OMIM 607014.
Mucopolysaccharidosis, MPS-I-S. Also called: MUCOPOLYSACCHARIDOSIS TYPE IS; MPS V; MUCOPOLYSACCHARIDOSIS TYPE V; Scheie Syndrome. Identifiers: Orphanet 93474, MedGen C0026708, MONDO:0011760, OMIM 607016.
Mucopolysaccharidosis, MPS-I-H/S. Also called: Mucopolysaccharidosis type IH/S. Identifiers: Orphanet 93476, MedGen C0086431, MONDO:0011759, OMIM 607015.

Allele frequency attached by ClinVar (database versions not stated): 1000 Genomes Project 30x 0.16380; TOPMed 0.14133; 1000 Genomes Project 0.16873; ESP Exome Variant Server 0.14221.
gnomAD v4.1: 246,880 of 1,610,904 alleles (15%); highest among the groups gnomAD compares: South Asian, 24%; 20,007 homozygotes.

Submissions (18):

ClinGen Lysosomal Storage Disorder Variant Curation Expert Panel
Classification: Benign for Mucopolysaccharidosis type 1. Last evaluated: 2024-12-06. Review status: reviewed by expert panel. Criteria: ClinGen LSD ACMG Specifications IDUA V1.0.0. Collection method: curation. Allele origin: germline. Inheritance: Autosomal recessive inheritance.
Comment: The NM_000203.5:c.314G>A variant in IDUA is a missense variant predicted to cause substitution of arginine by glutamine at amino acid 105 (p.Arg105Gln). The highest population minor allele frequency in gnomAD v4.1.0 is 0.2431 (22127/91024 alleles; 2838 homozygotes; Grpmax Filtering AF 95% confidence = 0.2404) in the South Asian population, which is higher than the ClinGen Lysosomal Diseases VCEP’s threshold for BA1 (>0.005), and therefore meets this criterion (BA1). There is a ClinVar entry for this variant (Variation ID: 92641). In summary, this variant meets the criteria to be classified as benign for mucopolysaccharidosis type 1. IDUA-specific ACMG/AMP criteria applied, as specified by the ClinGen Lysosomal Diseases Variant Curation Expert Panel (Specifications Version 1.0.0): BA1. (Classification approved by the ClinGen Lysosomal Diseases Variant Curation Expert Panel on December 6, 2024)

Labcorp Genetics (formerly Invitae), Labcorp
Classification: Benign for Mucopolysaccharidosis type 1. Last evaluated: 2026-02-04. Review status: criteria provided, single submitter. Criteria: Invitae Variant Classification Sherloc (09022015). Collection method: clinical testing. Allele origin: germline. Not counted in ClinVar's aggregate classification.

Blueprint Genetics
Classification: Benign. Last evaluated: 2024-11-26. Review status: criteria provided, single submitter. Criteria: ACMG Guidelines, 2015. Collection method: clinical testing. Allele origin: germline. Not counted in ClinVar's aggregate classification.

ARUP Laboratories, Molecular Genetics and Genomics, ARUP Laboratories
Classification: Benign. Last evaluated: 2023-11-29. Review status: criteria provided, single submitter. Criteria: ARUP Molecular Germline Variant Investigation Process 2024. Collection method: clinical testing. Allele origin: germline. Not counted in ClinVar's aggregate classification.

Genome-Nilou Lab
Classification: Benign for Hurler syndrome. Last evaluated: 2021-07-10. Review status: criteria provided, single submitter. Criteria: ACMG Guidelines, 2015. Collection method: clinical testing. Allele origin: germline. Affected: no. Not counted in ClinVar's aggregate classification.

Genome-Nilou Lab
Classification: Benign for Mucopolysaccharidosis, MPS-I-H/S. Last evaluated: 2021-07-10. Review status: criteria provided, single submitter. Criteria: ACMG Guidelines, 2015. Collection method: clinical testing. Allele origin: germline. Affected: no. Not counted in ClinVar's aggregate classification.

Genome-Nilou Lab
Classification: Benign for Mucopolysaccharidosis, MPS-I-S. Last evaluated: 2021-07-10. Review status: criteria provided, single submitter. Criteria: ACMG Guidelines, 2015. Collection method: clinical testing. Allele origin: germline. Affected: no. Not counted in ClinVar's aggregate classification.

GeneDx
Classification: Benign. Last evaluated: 2018-07-05. Review status: criteria provided, single submitter. Criteria: GeneDx Variant Classification Process June 2021. Collection method: clinical testing. Allele origin: germline. Affected: yes. Not counted in ClinVar's aggregate classification.
Comment: This variant is associated with the following publications: (PMID: 31473686, 26256109, 21462124, 19396826, 9536518, 21639919, 24053568, 24875751)

Illumina Laboratory Services, Illumina
Classification: Benign for Mucopolysaccharidosis type 1. Last evaluated: 2018-01-13. Review status: criteria provided, single submitter. Criteria: ICSL Variant Classification Criteria 13 December 2019. Collection method: clinical testing. Allele origin: germline. Not counted in ClinVar's aggregate classification.
Comment: This variant was observed in the ICSL laboratory as part of a predisposition screen in an ostensibly healthy population. It had not been previously curated by ICSL or reported in the Human Gene Mutation Database (HGMD: prior to June 1st, 2018), and was therefore a candidate for classification through an automated scoring system. Utilizing variant allele frequency, disease prevalence and penetrance estimates, and inheritance mode, an automated score was calculated to assess if this variant is too frequent to cause the disease. Based on the score and internal cut-off values, a variant classified as benign is not then subjected to further curation. The score for this variant resulted in a classification of benign for this disease.

Women's Health and Genetics/Laboratory Corporation of America, LabCorp
Classification: Benign. Last evaluated: 2016-01-15. Review status: criteria provided, single submitter. Criteria: LabCorp Variant Classification Summary - May 2015. Collection method: clinical testing. Allele origin: germline. Not counted in ClinVar's aggregate classification.

Eurofins Ntd Llc (ga)
Classification: Benign. Last evaluated: 2015-12-11. Review status: criteria provided, single submitter. Criteria: EGL Classification Definitions 2015. Collection method: clinical testing. Allele origin: germline. Observed: 29 variant alleles, 25 heterozygotes, 4 homozygotes. Not counted in ClinVar's aggregate classification.

Breakthrough Genomics
Classification: Benign. Review status: criteria provided, single submitter. Criteria: ACMG Guidelines, 2015. Collection method: not provided. Allele origin: germline. Inheritance: Autosomal recessive inheritance. Affected: yes. Not counted in ClinVar's aggregate classification.

PreventionGenetics, part of Exact Sciences
Classification: Benign. Review status: criteria provided, single submitter. Criteria: ACMG Guidelines, 2015. Collection method: clinical testing. Allele origin: germline. Not counted in ClinVar's aggregate classification.

Natera, Inc.
Classification: Benign for Mucopolysaccharidosis type I. Last evaluated: 2017-05-11. Review status: no assertion criteria provided. Collection method: clinical testing. Allele origin: germline. Not counted in ClinVar's aggregate classification.

Mayo Clinic Laboratories, Mayo Clinic
Classification: Benign. Last evaluated: 2016-02-03. Review status: no assertion criteria provided. Collection method: clinical testing. Allele origin: unknown. Not counted in ClinVar's aggregate classification.

Clinical Genetics DNA and cytogenetics Diagnostics Lab, Erasmus MC, Erasmus Medical Center
Classification: Benign. Review status: no assertion criteria provided. Collection method: clinical testing. Allele origin: germline. Affected: yes. Study: VKGL Data-share Consensus. Not counted in ClinVar's aggregate classification.

Clinical Genetics, Academic Medical Center
Classification: Benign. Review status: no assertion criteria provided. Collection method: clinical testing. Allele origin: germline. Affected: yes. Study: VKGL Data-share Consensus. Not counted in ClinVar's aggregate classification.

Diagnostic Laboratory, Department of Genetics, University Medical Center Groningen
Classification: Benign. Review status: no assertion criteria provided. Collection method: clinical testing. Allele origin: germline. Affected: yes. Study: VKGL Data-share Consensus. Not counted in ClinVar's aggregate classification.

Literature cited by the submitters: PubMed 24053568 (cited by Women's Health and Genetics/Laboratory Corporation of America, LabCorp); PubMed 24875751 (cited by Women's Health and Genetics/Laboratory Corporation of America, LabCorp).